The following is an entry in ClinVar:

NM_152564.5(VPS13B):c.3335G>A (p.Gly1112Glu)

Gene: VPS13B (vacuolar protein sorting 13 homolog B; plus strand). Cytogenetic location: 8q22.2.
Variant type: single nucleotide variant.
Coding change: c.3335G>A on transcript NM_152564.5 (MANE Select); coding-DNA position 3335, G replaced by A.
Protein change: p.Gly1112Glu; replaces glycine 1112 with glutamic acid.
Molecular consequence: missense variant.
Genome position (GRCh38, 1-based): chr8:99,442,525, G>A. VCF-style: chr8-99442525-G-A. GRCh37 (hg19) VCF-style: chr8-100454753-G-A.
Other names: c.3335G>A, p.Gly1112Glu (NM_017890.5); c.3335G>A (NM_152564.4); short protein forms G1112E.
Identifiers: ClinVar variation 1029655 (VCV001029655.7), dbSNP rs1463093451, ClinGen allele CA371870817.

ClinVar aggregate classification (germline): Uncertain significance. Review status: criteria provided, multiple submitters, no conflicts (2 of 4 stars). 4 submissions from 4 submitters: Uncertain significance (4). Last evaluated 2026-08-25.

Conditions:
VPS13B-related disorder. Also called: VPS13B-related condition.
Cohen syndrome (COH1). Also called: Cutis verticis gyrata, retinitis pigmentosa, and sensorineural deafness; PEPPER SYNDROME. Identifiers: Orphanet 193, MedGen C0265223, MONDO:0008999, OMIM 216550.

Allele frequency attached by ClinVar (database versions not stated): gnomAD exomes below 0.00001; gnomAD 0.00001; TOPMed 0.00001.
gnomAD v4.1: 5 of 1,613,936 alleles (0.00031%); highest among the groups gnomAD compares: Middle Eastern, 0.049%; no homozygotes.

Submissions (4):

PreventionGenetics, part of Exact Sciences
Classification: Uncertain significance for VPS13B-related condition. Last evaluated: 2026-08-25. Review status: criteria provided, single submitter. Criteria: ACMG Guidelines, 2015. Collection method: clinical testing. Allele origin: germline.
Comment: The VPS13B c.3335G>A variant is predicted to result in the amino acid substitution p.Gly1112Glu. To our knowledge, this variant has not been reported in the literature. This variant is reported in 0.00088% of alleles in individuals of European (Non-Finnish) descent in gnomAD. At this time, the clinical significance of this variant is uncertain due to the absence of conclusive functional and genetic evidence.

Labcorp Genetics (formerly Invitae), Labcorp
Classification: Uncertain significance for Cohen syndrome. Last evaluated: 2024-03-10. Review status: criteria provided, single submitter. Criteria: Invitae Variant Classification Sherloc (09022015). Collection method: clinical testing. Allele origin: germline.
Comment: This sequence change replaces glycine, which is neutral and non-polar, with glutamic acid, which is acidic and polar, at codon 1112 of the VPS13B protein (p.Gly1112Glu). This variant is present in population databases (no rsID available, gnomAD 0.0009%). This variant has not been reported in the literature in individuals affected with VPS13B-related conditions. ClinVar contains an entry for this variant (Variation ID: 1029655). Advanced modeling of protein sequence and biophysical properties (such as structural, functional, and spatial information, amino acid conservation, physicochemical variation, residue mobility, and thermodynamic stability) performed at Invitae indicates that this missense variant is expected to disrupt VPS13B protein function with a positive predictive value of 80%. In summary, the available evidence is currently insufficient to determine the role of this variant in disease. Therefore, it has been classified as a Variant of Uncertain Significance.

Blueprint Genetics
Classification: Uncertain significance. Last evaluated: 2021-03-05. Review status: criteria provided, single submitter. Criteria: ACMG Guidelines, 2015. Collection method: clinical testing. Allele origin: germline.

Baylor Genetics
Classification: Uncertain significance for Cohen syndrome. Last evaluated: 2020-01-15. Review status: criteria provided, single submitter. Criteria: ACMG Guidelines, 2015. Collection method: clinical testing. Allele origin: unknown. Affected: yes.
Comment: This variant was determined to be of uncertain significance according to ACMG Guidelines, 2015 [PMID:25741868].